The following is an entry in ClinVar:

ClinVar aggregate classification (germline): Uncertain significance (1 of 4 stars; one submission).

Conditions:
Inclusion body myopathy with early-onset Paget disease with or without frontotemporal dementia 2 (IBMPFD2). Also called: MULTISYSTEM PROTEINOPATHY 2. Identifiers: MedGen C3809468, MONDO:0014178, OMIM 615422.

Submission:

Labcorp Genetics (formerly Invitae), Labcorp
Classification: Uncertain significance for Inclusion body myopathy with early-onset Paget disease with or without frontotemporal dementia 2. Last evaluated: 2017-09-12. Review status: criteria provided, single submitter. Criteria: Invitae Variant Classification Sherloc (09022015). Collection method: clinical testing. Allele origin: germline.
Comment: This variant, c.1020_1028delCAGTGGAGG, results in the deletion of 3 amino acid(s) of the HNRNPA2B1 protein (p.Ser344_Gly346del), but otherwise preserves the integrity of the reading frame. The frequency data for this variant in the population databases is considered unreliable, as metrics indicate poor data quality at this position in the ExAC database. This variant has not been reported in the literature in individuals with HNRNPA2B1-related disease. Experimental studies and prediction algorithms are not available for this variant, and the functional significance of the deleted amino acids is currently unknown. In summary, the available evidence is currently insufficient to determine the role of this variant in disease. Therefore, it has been classified as a Variant of Uncertain Significance.

NM_002137.4(HNRNPA2B1):c.984_992del (p.329SGG[1])

Gene: HNRNPA2B1 (heterogeneous nuclear ribonucleoprotein A2/B1; minus strand). Cytogenetic location: 7p15.2.
Variant type: Deletion.
Coding change: c.984_992del on transcript NM_002137.4 (MANE Select); coding-DNA positions 984 to 992, 9 bases deleted (CAGTGGAGG; older notation c.984_992delCAGTGGAGG).
Protein change: p.329SGG[1].
Molecular consequence: inframe deletion. On other transcripts: inframe indel (1).
Genome position (GRCh38, 1-based): chr7:26,192,550-26,192,558, CCTCCACTG deleted on the plus strand (CAGTGGAGG on the coding strand, the reverse complement: HNRNPA2B1 is on the minus strand); deleting any 9 consecutive bases within chr7:26,192,550-26,192,563 gives the same sequence; the c. name uses the placement nearest the transcript's 3' end. VCF-style (leftmost placement, unchanged base first): chr7-26192549-TCCTCCACTG-T. GRCh37 (hg19) VCF-style: chr7-26232169-TCCTCCACTG-T.
Other names: c.1015_1023delGGAGGCAGT, p.Ser344_Gly346del (NM_031243.4).
Identifiers: ClinVar variation 541427 (VCV000541427.8), dbSNP rs754021381, ClinGen allele CA4194373.
Genomic context (GRCh38, chr7:26,192,549, plus strand): 5'-ACTTACCCATGGCAAATAGGAAGAAGCTCAGTATCGGCTCCTCCCACCATAACCCCCACT[TCCTCCACTG>T]CCTCCTGGACCATAGTTTCCTATAATTGTTGGAACAGCAAGAGAAAACAAACTTACTTTG-3'